The following is an entry in ClinVar:

NM_015322.5(FEM1B):c.1549C>T (p.Leu517Phe)

Gene: FEM1B (fem-1 homolog B; plus strand). Cytogenetic location: 15q23.
Variant type: single nucleotide variant.
Coding change: c.1549C>T on transcript NM_015322.5 (MANE Select); coding-DNA position 1549, C replaced by T.
Protein change: p.Leu517Phe; replaces leucine 517 with phenylalanine.
Molecular consequence: missense variant.
Genome position (GRCh38, 1-based): chr15:68,290,907, C>T. VCF-style: chr15-68290907-C-T. GRCh37 (hg19) VCF-style: chr15-68583245-C-T.
Other names: short protein forms L517F.
Identifiers: ClinVar variation 5020253 (VCV005020253.1).

ClinVar aggregate classification (germline): Uncertain significance (1 of 4 stars; one submission).

gnomAD v4.1: 1 of 1,614,144 alleles (0.000062%); highest among the groups gnomAD compares: Non-Finnish European, 0.000085%; no homozygotes.

Submission:

Dasa
Classification: Uncertain significance. Last evaluated: 2026-07-04. Review status: criteria provided, single submitter. Criteria: DASA Assertion Criteria. Collection method: clinical testing. Allele origin: germline.
Comment: NM_015322.5(FEM1B):c.1549C>T (p.Leu517Phe) is a missense variant that results in the substitution of leucine with phenylalanine. This variant is rare in population databases. The currently available literature and clinical evidence are not sufficient to establish a definitive association between this variant and the reported condition. Therefore, this variant is classified as a variant of uncertain significance.